The following is an entry in ClinVar:

NM_001561.6(TNFRSF9):c.100+1G>A

Gene: TNFRSF9 (TNF receptor superfamily member 9; minus strand). Cytogenetic location: 1p36.23.
Variant type: single nucleotide variant.
Coding change: c.100+1G>A on transcript NM_001561.6 (MANE Select); the canonical splice donor site of the intron after coding-DNA position 100, G replaced by A.
Molecular consequence: splice donor variant.
Genome position (GRCh38, 1-based): chr1:7,939,894, C>T on the plus strand (G>A on the coding strand, the complement: TNFRSF9 is on the minus strand). VCF-style: chr1-7939894-C-T. GRCh37 (hg19) VCF-style: chr1-7999954-C-T.
Identifiers: ClinVar variation 1497827 (VCV001497827.10), dbSNP rs754024907, ClinGen allele CA569355.

ClinVar aggregate classification (germline): Pathogenic. Review status: criteria provided, multiple submitters, no conflicts (2 of 4 stars). 2 submissions from 2 submitters: Pathogenic (2). Last evaluated 2025-11-27.

Allele frequency attached by ClinVar (database versions not stated): ExAC 0.00002; gnomAD 0.00004; TOPMed 0.00005; gnomAD exomes 0.00005 and 0.00003.
gnomAD v4.1: 71 of 1,592,812 alleles (0.0045%); highest among the groups gnomAD compares: Middle Eastern, 0.017%; no homozygotes.

Submissions (4):

Labcorp Genetics (formerly Invitae), Labcorp
Classification: Pathogenic. Last evaluated: 2025-11-27. Review status: criteria provided, single submitter. Criteria: Invitae Variant Classification Sherloc (09022015). Collection method: clinical testing. Allele origin: germline.
Comment: This sequence change affects a donor splice site in intron 3 of the TNFRSF9 gene. It is expected to disrupt RNA splicing. Variants that disrupt the donor or acceptor splice site typically lead to a loss of protein function (PMID: 16199547), and loss-of-function variants in TNFRSF9 are known to be pathogenic (PMID: 30872117, 31501153). This variant is present in population databases (rs754024907, gnomAD 0.006%). Disruption of this splice site has been observed in individual(s) with CD137 deficiency and/or TNFRSF9-related conditions (PMID: 31501153; internal data). In at least one individual the data is consistent with being in trans (on the opposite chromosome) from a pathogenic variant. ClinVar contains an entry for this variant (Variation ID: 1497827). Algorithms developed to predict the effect of sequence changes on RNA splicing suggest that this variant may disrupt the consensus splice site. For these reasons, this variant has been classified as Pathogenic.

GeneDx
Classification: Pathogenic. Last evaluated: 2024-10-18. Review status: criteria provided, single submitter. Criteria: GeneDx Variant Classification Process June 2021. Collection method: clinical testing. Allele origin: germline. Affected: yes.
Comment: Canonical splice site variant predicted to result in a null allele in a gene for which loss of function is a known mechanism of disease; This variant is associated with the following publications: (PMID: 37144041, 31501153)

Dr. Peter K. Rogan Lab, Western University
No classification provided (evidence only). Condition: Squamous cell carcinoma of the head and neck. Review status: no classification provided. Collection method: in vitro. Allele origin: not applicable. Functional consequence: skipped exon. Not counted in ClinVar's aggregate classification.

Dr. Peter K. Rogan Lab, Western University
No classification provided (evidence only). Condition: Lymphoma. Review status: no classification provided. Collection method: in vitro. Allele origin: not applicable. Functional consequence: skipped exon. Not counted in ClinVar's aggregate classification.

Literature cited by the submitters: PubMed 16199547 (cited by Labcorp Genetics (formerly Invitae), Labcorp); PubMed 30872117 (cited by Labcorp Genetics (formerly Invitae), Labcorp); PubMed 31501153 (cited by Labcorp Genetics (formerly Invitae), Labcorp).